The following is an entry in ClinVar:

NM_004588.5(SCN2B):c.332C>T (p.Ser111Leu)

Gene: SCN2B (sodium voltage-gated channel beta subunit 2; minus strand). Cytogenetic location: 11q23.3.
Variant type: single nucleotide variant.
Coding change: c.332C>T on transcript NM_004588.5 (MANE Select); coding-DNA position 332, C replaced by T.
Protein change: p.Ser111Leu; replaces serine 111 with leucine.
Molecular consequence: missense variant.
Genome position (GRCh38, 1-based): chr11:118,168,201, G>A on the plus strand (C>T on the coding strand, the complement: SCN2B is on the minus strand). VCF-style: chr11-118168201-G-A. GRCh37 (hg19) VCF-style: chr11-118038916-G-A.
Other names: short protein forms S111L.
Identifiers: ClinVar variation 427979 (VCV000427979.3), dbSNP rs868793059, ClinGen allele CA229507117.

ClinVar aggregate classification (germline): Uncertain significance. Review status: criteria provided, multiple submitters, no conflicts (2 of 4 stars). 2 submissions from 2 submitters: Uncertain significance (2). Last evaluated 2024-03-22.

Conditions:
Primary dilated cardiomyopathy (DCM). Also called: Dilated Cardiomyopathy. Identifiers: Orphanet 217604, MedGen C0007193, MeSH D002311, MONDO:0005021, HP:0001644. Inheritance: Various modes of inheritance.
Cardiovascular phenotype. Identifiers: MedGen CN230736.

Allele frequency attached by ClinVar (database versions not stated): TOPMed below 0.00001; gnomAD 0.00001; gnomAD exomes 0.00001.
gnomAD v4.1: 14 of 1,614,026 alleles (0.00087%); highest among the groups gnomAD compares: East Asian, 0.0022%; no homozygotes.

Submissions (2):

Ambry Genetics
Classification: Uncertain significance for Cardiovascular phenotype. Last evaluated: 2024-03-22. Review status: criteria provided, single submitter. Criteria: Ambry Variant Classification Scheme 2023. Collection method: clinical testing. Allele origin: germline.
Comment: The p.S111L variant (also known as c.332C>T), located in coding exon 3 of the SCN2B gene, results from a C to T substitution at nucleotide position 332. The serine at codon 111 is replaced by leucine, an amino acid with dissimilar properties. This amino acid position is highly conserved in available vertebrate species. In addition, this alteration is predicted to be deleterious by in silico analysis. The evidence for this gene-disease relationship is limited; therefore, the clinical significance of this alteration is unclear.

Center for Human Genetics, University of Leuven
Classification: Uncertain significance for Primary dilated cardiomyopathy. Last evaluated: 2017-04-30. Review status: criteria provided, single submitter. Criteria: ACMG Guidelines, 2015. Collection method: clinical testing. Allele origin: germline. Inheritance: Autosomal dominant inheritance. Affected: yes.